The following is an entry in ClinVar:

NM_000642.3(AGL):c.133dup (p.Thr45fs)

Gene: AGL (amylo-alpha-1,6-glucosidase and 4-alpha-glucanotransferase; plus strand). Cytogenetic location: 1p21.2.
Variant type: Duplication.
Coding change: c.133dup on transcript NM_000642.3 (MANE Select); coding-DNA position 133, one base duplicated (A; older notation c.133dupA).
Protein change: p.Thr45fs; shifts the reading frame from threonine 45.
Molecular consequence: frameshift variant.
Genome position (GRCh38, 1-based): chr1:99,861,553, A duplicated. VCF-style (leftmost placement, unchanged base first): chr1-99861552-T-TA. GRCh37 (hg19) VCF-style: chr1-100327108-T-TA.
Other names: c.133dup, p.Thr45Asnfs (NM_000644.3, NM_001425325.1, NM_001425328.1 and 5 more transcripts); c.85dup, p.Thr29Asnfs (NM_000646.3); short protein forms T45fs, T29fs.
Identifiers: ClinVar variation 2034091 (VCV002034091.4), dbSNP rs2524491716, ClinGen allele CA2580063488.

ClinVar aggregate classification (germline): Pathogenic (1 of 4 stars; one submission).

Conditions:
Glycogen storage disease type III (GSD3). Also called: Cori disease; FORBES DISEASE. Identifiers: Orphanet 366, MedGen C0017922, MONDO:0009291, OMIM 232400.

Allele frequency attached by ClinVar (database versions not stated): gnomAD exomes below 0.00001.

Submission:

Labcorp Genetics (formerly Invitae), Labcorp
Classification: Pathogenic for Glycogen storage disease type III. Last evaluated: 2022-10-04. Review status: criteria provided, single submitter. Criteria: Invitae Variant Classification Sherloc (09022015). Collection method: clinical testing. Allele origin: germline.
Comment: This variant has not been reported in the literature in individuals affected with AGL-related conditions. For these reasons, this variant has been classified as Pathogenic. This variant is not present in population databases (gnomAD no frequency). This sequence change creates a premature translational stop signal (p.Thr45Asnfs*14) in the AGL gene. It is expected to result in an absent or disrupted protein product. Loss-of-function variants in AGL are known to be pathogenic (PMID: 19299494).

Literature cited by the submitters: PubMed 19299494.